The following is an entry in ClinVar:

NC_000002.11:g.(?_166611117)_(166621586_?)del

Gene: GALNT3 (polypeptide N-acetylgalactosaminyltransferase 3; minus strand). Cytogenetic location: 2q24.3.
Variant type: Deletion.
Identifiers: ClinVar variation 3247525 (VCV003247525.1).

ClinVar aggregate classification (germline): Pathogenic (1 of 4 stars; one submission).

Submission:

Labcorp Genetics (formerly Invitae), Labcorp
Classification: Pathogenic. Last evaluated: 2023-05-16. Review status: criteria provided, single submitter. Criteria: Invitae Variant Classification Sherloc (09022015). Collection method: clinical testing. Allele origin: unknown.
Comment: For these reasons, this variant has been classified as Pathogenic. This variant has not been reported in the literature in individuals affected with GALNT3-related conditions. This variant is a gross deletion of the genomic region encompassing exon(s) 3-9 of the GALNT3 gene. This deletion is out-of-frame, and is expected to create a premature termination codon and result in an absent or disrupted protein product. Loss-of-function variants in GALNT3 are known to be pathogenic (PMID: 15133511, 20358599).

Literature cited by the submitters: PubMed 15133511; PubMed 20358599.